The following is an entry in ClinVar:

ClinVar aggregate classification (germline): Uncertain significance (1 of 4 stars; one submission).

Conditions:
Hereditary cancer-predisposing syndrome. Also called: Neoplastic Syndromes, Hereditary; Tumor predisposition; Hereditary Cancer Syndrome; Hereditary neoplastic syndrome. Identifiers: Orphanet 140162, MedGen C0027672, MeSH D009386, MONDO:0015356.

Submission:

Ambry Genetics
Classification: Uncertain significance for Hereditary cancer-predisposing syndrome. Last evaluated: 2025-11-05. Review status: criteria provided, single submitter. Criteria: Ambry Variant Classification Scheme 2023. Collection method: clinical testing. Allele origin: germline.
Comment: The p.A64V variant (also known as c.191C>T), located in coding exon 3 of the EPCAM gene, results from a C to T substitution at nucleotide position 191. The alanine at codon 64 is replaced by valine, an amino acid with similar properties. This amino acid position is conserved. In addition, this alteration is predicted to be tolerated by in silico analysis. Based on the available evidence, the clinical significance of this variant remains unclear.

NM_002354.3(EPCAM):c.191C>T (p.Ala64Val)

Gene: EPCAM (epithelial cell adhesion molecule; plus strand). Cytogenetic location: 2p21.
Variant type: single nucleotide variant.
Coding change: c.191C>T on transcript NM_002354.3 (MANE Select); coding-DNA position 191, C replaced by T.
Protein change: p.Ala64Val; replaces alanine 64 with valine.
Molecular consequence: missense variant.
Genome position (GRCh38, 1-based): chr2:47,373,814, C>T. VCF-style: chr2-47373814-C-T. GRCh37 (hg19) VCF-style: chr2-47600953-C-T.
Other names: short protein forms A64V.
Identifiers: ClinVar variation 4640195 (VCV004640195.1).